The following is an entry in ClinVar:

ClinVar aggregate classification (germline): Pathogenic (1 of 4 stars; one submission).

Submission:

Labcorp Genetics (formerly Invitae), Labcorp
Classification: Pathogenic. Last evaluated: 2023-10-24. Review status: criteria provided, single submitter. Criteria: Invitae Variant Classification Sherloc (09022015). Collection method: clinical testing. Allele origin: germline.
Comment: This sequence change creates a premature translational stop signal (p.Arg33Alafs*80) in the ADGRG1 gene. It is expected to result in an absent or disrupted protein product. Loss-of-function variants in ADGRG1 are known to be pathogenic (PMID: 15044805, 20929962). This variant is not present in population databases (gnomAD no frequency). This variant has not been reported in the literature in individuals affected with ADGRG1-related conditions. For these reasons, this variant has been classified as Pathogenic.

Literature cited by the submitters: PubMed 15044805; PubMed 20929962.

NM_201525.4(ADGRG1):c.96del (p.Arg33fs)

Gene: ADGRG1 (adhesion G protein-coupled receptor G1; plus strand). Cytogenetic location: 16q21.
Variant type: Deletion.
Coding change: c.96del on transcript NM_201525.4 (MANE Select); coding-DNA position 96, one base deleted (T; older notation c.96delT).
Protein change: p.Arg33fs; shifts the reading frame from arginine 33.
Molecular consequence: frameshift variant. On other transcripts: 5 prime UTR variant (1), intron variant (5).
Genome position (GRCh38, 1-based): chr16:57,651,231, T deleted; the last of 3 consecutive T bases (chr16:57,651,229-57,651,231); deleting any one gives the same sequence. VCF-style (leftmost placement, unchanged base first): chr16-57651228-CT-C. GRCh37 (hg19) VCF-style: chr16-57685140-CT-C.
Other names: c.96del, p.Arg33fs (NM_001145770.3, NM_001145771.3, NM_001145772.3 and 17 more transcripts); c.111del, p.Arg38fs (NM_001145773.3, NM_001370433.1); c.-430del (NM_001370453.1); c.-418-12del (NM_001370451.1, NM_001290143.2, NM_001290144.2); c.65-125del (NM_001370442.1); c.-414-16del (NM_001370454.1); short protein forms R38fs, R33fs.
Identifiers: ClinVar variation 2861662 (VCV002861662.3), dbSNP rs2545100610, ClinGen allele CA2633483487.